The following is an entry in ClinVar:

NM_018417.6(ADCY10):c.369C>G (p.Ser123Arg)

Genes: ADCY10 (adenylate cyclase 10; minus strand), DCAF6 (DDB1 and CUL4 associated factor 6; plus strand). Cytogenetic location: 1q24.2.
Variant type: single nucleotide variant.
Coding change: c.369C>G on transcript NM_018417.6 (MANE Select); coding-DNA position 369, C replaced by G.
Protein change: p.Ser123Arg; replaces serine 123 with arginine.
Molecular consequence: missense variant. On other transcripts: intron variant (1).
Genome position (GRCh38, 1-based): chr1:167,901,729, G>C on the plus strand (C>G on the coding strand, the complement: ADCY10 is on the minus strand). VCF-style: chr1-167901729-G-C. GRCh37 (hg19) VCF-style: chr1-167870967-G-C.
Other names: c.93C>G, p.Ser31Arg (NM_001297772.2); c.-24+287C>G (NM_001167749.3); short protein forms S31R, S123R.
Identifiers: ClinVar variation 2895388 (VCV002895388.3), dbSNP rs371567589, ClinGen allele CA1228298.

ClinVar aggregate classification (germline): Uncertain significance (1 of 4 stars; one submission).

Allele frequency attached by ClinVar (database versions not stated): gnomAD 0.00003; TOPMed 0.00003; ESP Exome Variant Server 0.00015.
gnomAD v4.1: 42 of 1,613,978 alleles (0.0026%); highest among the groups gnomAD compares: Non-Finnish European, 0.0035%; no homozygotes.

Submission:

Labcorp Genetics (formerly Invitae), Labcorp
Classification: Uncertain significance. Last evaluated: 2023-04-09. Review status: criteria provided, single submitter. Criteria: Invitae Variant Classification Sherloc (09022015). Collection method: clinical testing. Allele origin: germline.
Comment: This sequence change replaces serine, which is neutral and polar, with arginine, which is basic and polar, at codon 123 of the ADCY10 protein (p.Ser123Arg). This variant is present in population databases (rs371567589, gnomAD 0.01%). This variant has not been reported in the literature in individuals affected with ADCY10-related conditions. An algorithm developed to predict the effect of missense changes on protein structure and function (PolyPhen-2) suggests that this variant is likely to be disruptive. Algorithms developed to predict the effect of sequence changes on RNA splicing suggest that this variant may disrupt the consensus splice site. In summary, the available evidence is currently insufficient to determine the role of this variant in disease. Therefore, it has been classified as a Variant of Uncertain Significance.